The following is an entry in ClinVar:

NM_007294.4(BRCA1):c.929del (p.Gln310fs)

Gene: BRCA1 (BRCA1 DNA repair associated; minus strand). Cytogenetic location: 17q21.31.
Variant type: Deletion.
Coding change: c.929del on transcript NM_007294.4 (MANE Select); coding-DNA position 929, one base deleted (A; older notation c.929delA).
Protein change: p.Gln310fs; shifts the reading frame from glutamine 310.
Molecular consequence: frameshift variant. On other transcripts: intron variant (137).
Genome position (GRCh38, 1-based): chr17:43,094,602, T deleted on the plus strand (A on the coding strand, the reverse complement: BRCA1 is on the minus strand). VCF-style (leftmost placement, unchanged base first): chr17-43094601-CT-C. GRCh37 (hg19) VCF-style: chr17-41246618-CT-C.
Other names: 1048delA; c.662del, p.Gln221fs (NM_001407932.1, NM_001407934.1, NM_001407936.1 and 2 more transcripts); c.665del, p.Gln222fs (NM_001407933.1, NM_001407935.1, NM_001407920.1 and 9 more transcripts); c.806del, p.Gln269fs (NM_001407937.1, NM_001407938.1, NM_001407939.1 and 19 more transcripts); c.803del, p.Gln268fs (NM_001407940.1, NM_001407941.1, NM_001407649.1 and 11 more transcripts); c.788del, p.Gln263fs (NM_001407942.1, NM_001407944.1, NM_001407945.1 and 29 more transcripts); c.785del, p.Gln262fs (NM_001407943.1, NM_001407964.1, NM_001407740.1 and 20 more transcripts); c.596del, p.Gln199fs (NM_001407946.1, NM_001407947.1, NM_001407948.1 and 6 more transcripts); and 41 more; short protein forms Q263fs, Q310fs, Q182fs, Q199fs, Q242fs, Q268fs, Q198fs, Q243fs.
Identifiers: ClinVar variation 37708 (VCV000037708.32), dbSNP rs80357844, ClinGen allele CA003973.

ClinVar aggregate classification (germline): Pathogenic. Review status: reviewed by expert panel (3 of 4 stars). 16 submissions from 16 submitters: Pathogenic (1). 15 of the submissions do not count toward it. Last evaluated 2016-09-08.

Conditions:
Hereditary cancer-predisposing syndrome. Also called: Tumor predisposition; Neoplastic Syndromes, Hereditary; Hereditary Cancer Syndrome; Hereditary neoplastic syndrome. Identifiers: Orphanet 140162, MedGen C0027672, MeSH D009386, MONDO:0015356.
Hereditary breast ovarian cancer syndrome. Also called: Hereditary breast and ovarian cancer syndrome (HBOC); Hereditary breast and ovarian cancer syndrome; Hereditary breast and ovarian cancer; Hereditary breast and/or ovarian cancer syndrome; Breast and ovarian cancer; BRCA1- and BRCA2-Associated Hereditary Breast and Ovarian Cancer. Identifiers: Orphanet 145, MedGen C0677776, MeSH D061325, MONDO:0003582. Disease mechanism: loss of function.
Breast-ovarian cancer, familial, susceptibility to, 1 (BROVCA1). Also called: OVARIAN CANCER, SUSCEPTIBILITY TO; BRCA1 Hereditary Breast and Ovarian Cancer. Identifiers: Orphanet 145, MedGen C2676676, MONDO:0011450, OMIM 604370. Disease mechanism: loss of function.

Allele frequency attached by ClinVar (database versions not stated): gnomAD exomes below 0.00001.

Submissions 1 to 9 of 16:

Evidence-based Network for the Interpretation of Germline Mutant Alleles (ENIGMA)
Classification: Pathogenic for Breast-ovarian cancer, familial, susceptibility to, 1. Last evaluated: 2016-09-08. Review status: reviewed by expert panel. Criteria: ENIGMA BRCA1/2 Classification Criteria (2015). Collection method: curation. Allele origin: germline.
Comment: Variant allele predicted to encode a truncated non-functional protein.

Labcorp Genetics (formerly Invitae), Labcorp
Classification: Pathogenic for Hereditary breast ovarian cancer syndrome. Last evaluated: 2025-11-05. Review status: criteria provided, single submitter. Criteria: Invitae Variant Classification Sherloc (09022015). Collection method: clinical testing. Allele origin: germline. Not counted in ClinVar's aggregate classification.
Comment: This sequence change creates a premature translational stop signal (p.Gln310Argfs*4) in the BRCA1 gene. It is expected to result in an absent or disrupted protein product. Loss-of-function variants in BRCA1 are known to be pathogenic (PMID: 20104584). This variant is present in population databases (rs80357844, gnomAD 0.0009%). This premature translational stop signal has been observed in individual(s) with breast and/or ovarian cancer and increasing risk of breast and ovarian cancers (PMID: 8533757, 9145677, 21324516, 29446198). This variant is also known as 1048delA. ClinVar contains an entry for this variant (Variation ID: 37708). For these reasons, this variant has been classified as Pathogenic.

Ambry Genetics
Classification: Pathogenic for Hereditary cancer-predisposing syndrome. Last evaluated: 2025-07-16. Review status: criteria provided, single submitter. Criteria: Ambry Variant Classification Scheme 2023. Collection method: clinical testing. Allele origin: germline. Not counted in ClinVar's aggregate classification.
Comment: The c.929delA pathogenic mutation, located in coding exon 9 of the BRCA1 gene, results from a deletion of one nucleotide at nucleotide position 929, causing a translational frameshift with a predicted alternate stop codon (p.Q310Rfs*4). This mutation has been identified in several individuals and families with breast and/or ovarian cancer (Friedman LS et al. Am. J. Hum. Genet. 1995 Dec;57:1284-97; Couch FJ et al. N. Engl. J. Med. 1997 May;336:1409-15; Zhang S et al. Gynecol. Oncol. 2011 May;121:353-7; Song H et al. Hum. Mol. Genet., 2014 Sep;23:4703-9; Gleicher N et al. PLoS One, 2014 Jul;9:e102370; Heramb C et al. Hered Cancer Clin Pract, 2018 Jan;16:3; Schrader KA et al. Obstet Gynecol, 2012 Aug;120:235-40; Iau PT et al. Breast Cancer Res Treat, 2004 May;85:81-8). This alteration has also been designated as 1048delA in publications. In addition to the clinical data presented in the literature, this alteration is expected to result in loss of function by premature protein truncation or nonsense-mediated mRNA decay. As such, this alteration is interpreted as a disease-causing mutation.

Molecular Pathology, Peter Maccallum Cancer Centre
Classification: Pathogenic for Breast-ovarian cancer, familial, susceptibility to, 1. Last evaluated: 2025-05-15. Review status: criteria provided, single submitter. Criteria: ACMG Guidelines, 2015. Collection method: clinical testing. Allele origin: germline. Inheritance: Autosomal dominant inheritance. Not counted in ClinVar's aggregate classification.

GeneDx
Classification: Pathogenic. Last evaluated: 2024-03-08. Review status: criteria provided, single submitter. Criteria: GeneDx Variant Classification Process June 2021. Collection method: clinical testing. Allele origin: germline. Affected: yes. Not counted in ClinVar's aggregate classification.
Comment: Frameshift variant predicted to result in protein truncation or nonsense mediated decay in a gene for which loss-of-function is a known mechanism of disease; Truncating variants in this gene are considered pathogenic by a well-established clinical consortium and/or database; Observed in individuals with breast and/or ovarian cancer (PMID: 8533757, 21324516, 25452441); Not observed at significant frequency in large population cohorts (gnomAD); Also known as 1048delA; This variant is associated with the following publications: (PMID: 8533757, 24728189, 25452441, 21324516, 22798144, 29339979, 30720243, 29922827)

ARUP Laboratories, Molecular Genetics and Genomics, ARUP Laboratories
Classification: Pathogenic. Last evaluated: 2023-09-28. Review status: criteria provided, single submitter. Criteria: ARUP Molecular Germline Variant Investigation Process 2024. Collection method: clinical testing. Allele origin: germline. Not counted in ClinVar's aggregate classification.
Comment: The BRCA1 c.929del; p.Gln310ArgfsTer4 variant (rs80357844), also known as 1048delA using historical nomenclature, is reported in the literature in multiple individuals affected with breast/ovarian cancer (selected references: Heramb 2018, Friedman 1995, Zhang 2011). This variant is only observed on one allele in the Genome Aggregation Database, indicating it is not a common polymorphism. This variant causes a frameshift by deleting a single nucleotide in exon 10, so it is predicted to result in a truncated protein or mRNA subject to nonsense-mediated decay. Additionally, other truncating variants in this exon have been reported in individuals with breast/ovarian cancer and are considered pathogenic (selected reference: Sinilnikova 2006). It is also listed in the ClinVar database (Variation ID: 37708). Based on available information, this variant is considered to be pathogenic. References: Heramb C et al. BRCA1 and BRCA2 mutation spectrum - an update on mutation distribution in a large cancer genetics clinic in Norway. Hered Cancer Clin Pract. 2018 Friedman LS et al. Novel inherited mutations and variable expressivity of BRCA1 alleles, including the founder mutation 185delAG in Ashkenazi Jewish families. Am J Hum Genet. 1995 Dec;57(6):1284-97. PMID: 8533757 Sinilnikova OM et al. BRCA1 and BRCA2 mutations in breast and ovarian cancer syndrome: reflection on the Creighton University historical series of high risk families. Fam Cancer. 2006;5(1):15-20. PMID: 16528604. Zhang S et al. Frequencies of BRCA1 and BRCA2 mutations among 1,342 unselected patients with invasive ovarian cancer. Gynecol Oncol. 2011 May 1;121(2):353-7. PMID: 21324516.

Baylor Genetics
Classification: Pathogenic for Breast-ovarian cancer, familial, susceptibility to, 1. Last evaluated: 2022-09-14. Review status: criteria provided, single submitter. Criteria: ACMG Guidelines, 2015. Collection method: clinical testing. Allele origin: unknown. Not counted in ClinVar's aggregate classification.

Revvity Omics, Revvity
Classification: Pathogenic. Last evaluated: 2022-04-20. Review status: criteria provided, single submitter. Criteria: ACMG Guidelines, 2015. Collection method: clinical testing. Allele origin: germline. Not counted in ClinVar's aggregate classification.

Women's Health and Genetics/Laboratory Corporation of America, LabCorp
Classification: Pathogenic for Hereditary breast ovarian cancer syndrome. Last evaluated: 2022-02-14. Review status: criteria provided, single submitter. Criteria: LabCorp Variant Classification Summary - May 2015. Collection method: clinical testing. Allele origin: germline. Not counted in ClinVar's aggregate classification.
Comment: Variant summary: BRCA1 c.929delA (p.Gln310ArgfsX4) results in a premature termination codon, predicted to cause a truncation of the encoded protein or absence of the protein due to nonsense mediated decay, which are commonly known mechanisms for disease. Truncations downstream of this position have been classified as pathogenic by our laboratory. The variant allele was found at a frequency of 4e-06 in 251372 control chromosomes (gnomAD). c.929delA has been reported in the literature in multiple individuals affected with Hereditary Breast and/or Ovarian Cancer (examples: Song_2014 and Heramb_2018). These data indicate that the variant is very likely to be associated with disease. One expert panel (ENIGMA) and seven clinical diagnostic laboratories have submitted clinical-significance assessments for this variant to ClinVar after 2014 and all classified the variant as pathogenic. Based on the evidence outlined above, the variant was classified as pathogenic.